The following is an entry in ClinVar:

NM_020975.6(RET):c.3038G>A (p.Arg1013Lys)

Gene: RET (ret proto-oncogene; plus strand). Cytogenetic location: 10q11.21.
Variant type: single nucleotide variant.
Coding change: c.3038G>A on transcript NM_020975.6 (MANE Select); coding-DNA position 3038, G replaced by A.
Protein change: p.Arg1013Lys; replaces arginine 1013 with lysine.
Molecular consequence: missense variant.
Genome position (GRCh38, 1-based): chr10:43,124,981, G>A. VCF-style: chr10-43124981-G-A. GRCh37 (hg19) VCF-style: chr10-43620429-G-A.
Other names: c.3038G>A, p.Arg1013Lys (NM_000323.2, NM_001406743.1, NM_001406744.1 and 4 more transcripts); c.2276G>A, p.Arg759Lys (NM_001355216.2); c.2909G>A, p.Arg970Lys (NM_001406761.1, NM_001406762.1, NM_001406764.1); c.2903G>A, p.Arg968Lys (NM_001406763.1, NM_001406765.1); c.2750G>A, p.Arg917Lys (NM_001406766.1, NM_001406767.1, NM_001406770.1); c.2774G>A, p.Arg925Lys (NM_001406768.1); c.2642G>A, p.Arg881Lys (NM_001406769.1, NM_001406772.1); c.2141G>A, p.Arg714Lys (NM_001406781.1, NM_001406782.1, NM_001406779.1 and 1 more transcripts); and 10 more; short protein forms R1013K, R759K, R838K, R867K, R970K, R618K, R714K, R925K.
Identifiers: ClinVar variation 1369261 (VCV001369261.10), dbSNP rs1838299542, ClinGen allele CA376558247.

ClinVar aggregate classification (germline): Uncertain significance. Review status: criteria provided, multiple submitters, no conflicts (2 of 4 stars). 2 submissions from 2 submitters: Uncertain significance (2). Last evaluated 2026-07-07.

Conditions:
Hereditary cancer-predisposing syndrome. Also called: Hereditary Cancer Syndrome; Neoplastic Syndromes, Hereditary; Hereditary neoplastic syndrome; Tumor predisposition. Identifiers: Orphanet 140162, MedGen C0027672, MeSH D009386, MONDO:0015356.
Multiple endocrine neoplasia, type 2 (MEN2). Identifiers: Orphanet 653, MedGen C4048306, MONDO:0019003. Disease mechanism: gain of function.

Submissions (2):

Ambry Genetics
Classification: Uncertain significance for Hereditary cancer-predisposing syndrome. Last evaluated: 2026-07-07. Review status: criteria provided, single submitter. Criteria: Ambry Variant Classification Scheme 2023. Collection method: clinical testing. Allele origin: germline.
Comment: The p.R1013K variant (also known as c.3038G>A), located in coding exon 18 of the RET gene, results from a G to A substitution at nucleotide position 3038. The arginine at codon 1013 is replaced by lysine, an amino acid with highly similar properties. This amino acid position is conserved. In addition, the in silico prediction for this alteration is inconclusive. Based on the available evidence, the clinical significance of this variant remains unclear.

Labcorp Genetics (formerly Invitae), Labcorp
Classification: Uncertain significance for Multiple endocrine neoplasia, type 2. Last evaluated: 2021-07-22. Review status: criteria provided, single submitter. Criteria: Invitae Variant Classification Sherloc (09022015). Collection method: clinical testing. Allele origin: germline.
Comment: In summary, the available evidence is currently insufficient to determine the role of this variant in disease. Therefore, it has been classified as a Variant of Uncertain Significance. Algorithms developed to predict the effect of missense changes on protein structure and function are either unavailable or do not agree on the potential impact of this missense change (SIFT: "Tolerated"; PolyPhen-2: "Possibly Damaging"; Align-GVGD: "Class C0"). This variant has not been reported in the literature in individuals affected with RET-related conditions. This variant is not present in population databases (ExAC no frequency). This sequence change replaces arginine with lysine at codon 1013 of the RET protein (p.Arg1013Lys). The arginine residue is highly conserved and there is a small physicochemical difference between arginine and lysine.